The following is an entry in ClinVar:

NM_004369.4(COL6A3):c.709+11C>T

Gene: COL6A3 (collagen type VI alpha 3 chain; minus strand). Cytogenetic location: 2q37.3.
Variant type: single nucleotide variant.
Coding change: c.709+11C>T on transcript NM_004369.4 (MANE Select); 11 bases into the intron after coding-DNA position 709, C replaced by T.
Molecular consequence: intron variant.
Genome position (GRCh38, 1-based): chr2:237,394,576, G>A on the plus strand (C>T on the coding strand, the complement: COL6A3 is on the minus strand). VCF-style: chr2-237394576-G-A. GRCh37 (hg19) VCF-style: chr2-238303219-G-A.
Other names: c.91+2151C>T (NM_057166.5, NM_057167.4, NM_057164.5 and 1 more transcripts).
Identifiers: ClinVar variation 390038 (VCV000390038.10), dbSNP rs111660070, ClinGen allele CA2189809.

ClinVar aggregate classification (germline): Benign/Likely benign. Review status: criteria provided, multiple submitters, no conflicts (2 of 4 stars). 3 submissions from 3 submitters: Benign (1); Likely benign (2). Last evaluated 2026-01-24.

Conditions:
Bethlem myopathy 1A. Also called: Bethlem myopathy 1; Bethlem Muscular Dystrophy; MYOPATHY, BENIGN CONGENITAL, WITH CONTRACTURES. Identifiers: Orphanet 610, MedGen CN029274, MONDO:0024530, OMIM 158810.

Allele frequency attached by ClinVar (database versions not stated): 1000 Genomes Project 30x 0.00375; gnomAD 0.00395; 1000 Genomes Project 0.00399; TOPMed 0.00459; ESP Exome Variant Server 0.00469.
gnomAD v4.1: 1,378 of 1,613,738 alleles (0.085%); highest among the groups gnomAD compares: African/African-American, 1.5%; 14 homozygotes.

Submissions (3):

Labcorp Genetics (formerly Invitae), Labcorp
Classification: Benign for Bethlem myopathy 1A. Last evaluated: 2026-01-24. Review status: criteria provided, single submitter. Criteria: Invitae Variant Classification Sherloc (09022015). Collection method: clinical testing. Allele origin: germline.

Blueprint Genetics
Classification: Likely benign. Last evaluated: 2024-11-21. Review status: criteria provided, single submitter. Criteria: ACMG Guidelines, 2015. Collection method: clinical testing. Allele origin: germline.

GeneDx
Classification: Likely benign. Last evaluated: 2017-05-17. Review status: criteria provided, single submitter. Criteria: GeneDx Variant Classification (06012015). Collection method: clinical testing. Allele origin: germline. Affected: yes.
Comment: This variant is considered likely benign or benign based on one or more of the following criteria: it is a conservative change, it occurs at a poorly conserved position in the protein, it is predicted to be benign by multiple in silico algorithms, and/or has population frequency not consistent with disease.